The following is an entry in ClinVar:

ClinVar aggregate classification (germline): Uncertain significance (1 of 4 stars; one submission).

Submission:

Dasa
Classification: Uncertain significance. Last evaluated: 2024-08-31. Review status: criteria provided, single submitter. Criteria: DASA Assertion Criteria. Collection method: clinical testing. Allele origin: germline.
Comment: NM_015335.5(MED13L):c.5175+5C>G is a splice-region variant predicted to affect normal RNA splicing. Based on the available data, this variant is classified as variant of uncertain significance.

NM_015335.5(MED13L):c.5175+5C>G

Gene: MED13L (mediator complex subunit 13L; minus strand). Cytogenetic location: 12q24.21.
Variant type: single nucleotide variant.
Coding change: c.5175+5C>G on transcript NM_015335.5 (MANE Select); 5 bases into the intron after coding-DNA position 5175, C replaced by G.
Molecular consequence: intron variant.
Genome position (GRCh38, 1-based): chr12:115,982,379, G>C on the plus strand (C>G on the coding strand, the complement: MED13L is on the minus strand). VCF-style: chr12-115982379-G-C. GRCh37 (hg19) VCF-style: chr12-116420184-G-C.
Identifiers: ClinVar variation 4851821 (VCV004851821.1).